The following is an entry in ClinVar:

ClinVar aggregate classification (germline): Pathogenic (1 of 4 stars; one submission).

Conditions:
Chromosome 16p11.2 duplication syndrome. Identifiers: Orphanet 370079, MedGen C3553407, MONDO:0013847, OMIM 614671.

Submission:

Department of Prenatal Diagnosis, Henan Provincial People’s Hospital
Classification: Pathogenic for Chromosome 16p11.2 duplication syndrome. Last evaluated: 2026-11-25. Review status: criteria provided, single submitter. Criteria: ACMG/ClinGen CNV Guidelines, 2019. Collection method: research. Allele origin: maternal. Affected: no. Observed: 1 variant allele.
Comment: Based on the "ACMG/ClinGen CNV Guidelines" (2019, PMID: 31690835), this dupliaction encompasses the triplosensitive genomic region-16p11.2 recurrent region (proximal, BP4-BP5) (includes TBX6)，which satisfies the criteria for Evidence Type 2A and is assigned a score of 1. As a result, the observed copy number duplication in this case achieves a cumulative score of ≥0.99, classifying it as a pathogenic copy number variant.

GRCh37/hg19 16p11.2(chr16:29892439-30613921)x3

Genes: ALDOA (aldolase, fructose-bisphosphate A; plus strand), ASPHD1 (aspartate beta-hydroxylase domain containing 1; plus strand), BOLA2B (bolA family member 2B; minus strand), CD2BP2 (CD2 cytoplasmic tail binding protein 2; minus strand), CORO1A (coronin 1A; plus strand) and 29 more. Cytogenetic location: 16p11.2.
Variant type: copy number gain.
Change: copy number 3 (three copies instead of two) of chr16:29,892,439-30,613,921 (721.5 kb, GRCh37 coordinates, 1-based), cytogenetic band 16p11.2.
Identifiers: ClinVar variation 5043556 (VCV005043556.1).